The following is an entry in ClinVar:

NM_002691.4(POLD1):c.314T>C (p.Val105Ala)

Gene: POLD1 (DNA polymerase delta 1, catalytic subunit; plus strand). Cytogenetic location: 19q13.33.
Variant type: single nucleotide variant.
Coding change: c.314T>C on transcript NM_002691.4 (MANE Select); coding-DNA position 314, T replaced by C.
Protein change: p.Val105Ala; replaces valine 105 with alanine.
Molecular consequence: missense variant. On other transcripts: non-coding transcript variant (1).
Genome position (GRCh38, 1-based): chr19:50,399,482, T>C. VCF-style: chr19-50399482-T-C. GRCh37 (hg19) VCF-style: chr19-50902739-T-C.
Other names: c.314T>C, p.Val105Ala (NM_001256849.1, NM_001308632.1); c.314T>C (NM_002691.2); short protein forms V105A.
Identifiers: ClinVar variation 1517878 (VCV001517878.7), dbSNP rs2122203804, ClinGen allele CA406970699.

ClinVar aggregate classification (germline): Conflicting classifications of pathogenicity. Review status: criteria provided, conflicting classifications (1 of 4 stars). 2 submissions from 2 submitters: Uncertain significance (1); Likely benign (1). Last evaluated 2024-12-17.

Conditions:
POLD1-related polyposis and colorectal cancer syndrome (CRCS10). Also called: Colorectal cancer 10; COLORECTAL CANCER, SUSCEPTIBILITY TO, ON CHROMOSOME 19q; Colorectal cancer, susceptibility to, 10. Identifiers: Orphanet 220460, MedGen C2675481, MONDO:0012953, OMIM 612591.
Hereditary cancer-predisposing syndrome. Also called: Neoplastic Syndromes, Hereditary; Tumor predisposition; Hereditary Cancer Syndrome; Hereditary neoplastic syndrome. Identifiers: Orphanet 140162, MedGen C0027672, MeSH D009386, MONDO:0015356.

Submissions (2):

Ambry Genetics
Classification: Likely benign for Hereditary cancer-predisposing syndrome. Last evaluated: 2024-12-17. Review status: criteria provided, single submitter. Criteria: Ambry Variant Classification Scheme 2023. Collection method: clinical testing. Allele origin: germline.

Labcorp Genetics (formerly Invitae), Labcorp
Classification: Uncertain significance for POLD1-related polyposis and colorectal cancer syndrome. Last evaluated: 2023-10-25. Review status: criteria provided, single submitter. Criteria: Invitae Variant Classification Sherloc (09022015). Collection method: clinical testing. Allele origin: germline.
Comment: This sequence change replaces valine, which is neutral and non-polar, with alanine, which is neutral and non-polar, at codon 105 of the POLD1 protein (p.Val105Ala). This variant is not present in population databases (gnomAD no frequency). This variant has not been reported in the literature in individuals affected with POLD1-related conditions. ClinVar contains an entry for this variant (Variation ID: 1517878). An algorithm developed to predict the effect of missense changes on protein structure and function (PolyPhen-2) suggests that this variant is likely to be tolerated. In summary, the available evidence is currently insufficient to determine the role of this variant in disease. Therefore, it has been classified as a Variant of Uncertain Significance.